The following is an entry in ClinVar:

NC_000008.11:g.(?_99096302)_(99556663_?)del

Gene: VPS13B (vacuolar protein sorting 13 homolog B; plus strand). Cytogenetic location: 8q22.2.
Variant type: Deletion.
Identifiers: ClinVar variation 830631 (VCV000830631.5).

ClinVar aggregate classification (germline): Pathogenic (1 of 4 stars; one submission).

Conditions:
Cohen syndrome (COH1). Also called: Cutis verticis gyrata, retinitis pigmentosa, and sensorineural deafness; PEPPER SYNDROME. Identifiers: Orphanet 193, MedGen C0265223, MONDO:0008999, OMIM 216550.

Submission:

Labcorp Genetics (formerly Invitae), Labcorp
Classification: Pathogenic for Cohen syndrome. Last evaluated: 2019-08-09. Review status: criteria provided, single submitter. Criteria: Invitae Variant Classification Sherloc (09022015). Collection method: clinical testing. Allele origin: germline.
Comment: For these reasons, this variant has been classified as Pathogenic. Loss-of-function variants in VPS13B are known to be pathogenic (PMID: 15141358, 16648375, 20461111). This variant has not been reported in the literature in individuals with VPS13B-related conditions. This variant is an out-of-frame deletion of the genomic region encompassing exons 4-31 of the VPS13B gene. This is expected to create a premature translational stop signal and result in an absent or disrupted protein product.

Literature cited by the submitters: PubMed 15141358; PubMed 16648375; PubMed 20461111.